The following is an entry in ClinVar:

NM_000260.4(MYO7A):c.1687C>T (p.Gln563Ter)

Gene: MYO7A (myosin VIIA; plus strand). Cytogenetic location: 11q13.5.
Variant type: single nucleotide variant.
Coding change: c.1687C>T on transcript NM_000260.4 (MANE Select); coding-DNA position 1687, C replaced by T.
Protein change: p.Gln563Ter; replaces glutamine 563 with a stop codon.
Molecular consequence: nonsense.
Genome position (GRCh38, 1-based): chr11:77,162,985, C>T. VCF-style: chr11-77162985-C-T. GRCh37 (hg19) VCF-style: chr11-76874031-C-T.
Other names: c.1687C>T, p.Gln563Ter (NM_001127180.2); c.1654C>T, p.Gln552Ter (NM_001369365.1); short protein forms Q563*, Q552*.
Identifiers: ClinVar variation 2758838 (VCV002758838.3), dbSNP rs1953151412, ClinGen allele CA381936400.
Genomic context (GRCh38, chr11:77,162,985, plus strand): 5'-AACAACCATGAGACCCAGTTTGGCATCAACCATTTTGCAGGCATCGTCTACTATGAGACC[C>T]AAGGTACAGAGGGCTGCCGGCTGTCTGTCACTCCCTGCCCGTGGCCCTGCCTTCCCCTGC-3'

ClinVar aggregate classification (germline): Pathogenic (1 of 4 stars; one submission).

Submission:

Labcorp Genetics (formerly Invitae), Labcorp
Classification: Pathogenic. Last evaluated: 2023-09-08. Review status: criteria provided, single submitter. Criteria: Invitae Variant Classification Sherloc (09022015). Collection method: clinical testing. Allele origin: germline.
Comment: For these reasons, this variant has been classified as Pathogenic. This variant has not been reported in the literature in individuals affected with MYO7A-related conditions. This variant is not present in population databases (gnomAD no frequency). This sequence change creates a premature translational stop signal (p.Gln563*) in the MYO7A gene. It is expected to result in an absent or disrupted protein product. Loss-of-function variants in MYO7A are known to be pathogenic (PMID: 8900236, 25404053).

Literature cited by the submitters: PubMed 8900236; PubMed 25404053.